The following is an entry in ClinVar:

NM_007294.4(BRCA1):c.3800T>C (p.Leu1267Ser)

Genes: BRCA1 (BRCA1 DNA repair associated; minus strand), LOC126862571 (BRD4-independent group 4 enhancer GRCh37_chr17:41243136-41244335; plus strand). Cytogenetic location: 17q21.31.
Variant type: single nucleotide variant.
Coding change: c.3800T>C on transcript NM_007294.4 (MANE Select); coding-DNA position 3800, T replaced by C.
Protein change: p.Leu1267Ser; replaces leucine 1267 with serine.
Molecular consequence: missense variant. On other transcripts: intron variant (135).
Genome position (GRCh38, 1-based): chr17:43,091,731, A>G on the plus strand (T>C on the coding strand, the complement: BRCA1 is on the minus strand). VCF-style: chr17-43091731-A-G. GRCh37 (hg19) VCF-style: chr17-41243748-A-G.
Other names: p.L1267S:TTA>TCA; c.3587T>C, p.Leu1196Ser (NM_001407571.1, NM_001407853.1, NM_001407894.1 and 9 more transcripts); c.3800T>C, p.Leu1267Ser (NM_001407581.1, NM_001407582.1, NM_001407583.1 and 30 more transcripts); c.3797T>C, p.Leu1266Ser (NM_001407587.1, NM_001407590.1, NM_001407591.1 and 22 more transcripts); c.3791T>C, p.Leu1264Ser (NM_001407646.1, NM_001407647.1); c.3677T>C, p.Leu1226Ser (NM_001407648.1, NM_001407664.1, NM_001407665.1 and 19 more transcripts); c.3674T>C, p.Leu1225Ser (NM_001407649.1, NM_001407670.1, NM_001407671.1 and 11 more transcripts); c.3722T>C, p.Leu1241Ser (NM_001407653.1, NM_001407654.1, NM_001407655.1 and 4 more transcripts); and 42 more; short protein forms L1267S, L1220S, L1178S, L1099S, L1140S, L1197S, L1200S, L1226S.
Identifiers: ClinVar variation 142031 (VCV000142031.68), dbSNP rs587782190, ClinGen allele CA002448.

ClinVar aggregate classification (germline): Conflicting classifications of pathogenicity. Review status: criteria provided, conflicting classifications (1 of 4 stars). 11 submissions from 11 submitters: Uncertain significance (5); Likely benign (6). Last evaluated 2026-09-01.

Conditions:
BRCA1-related cancer predisposition. Identifiers: MedGen CN377757, MONDO:0700268.
Hereditary cancer-predisposing syndrome. Also called: Neoplastic Syndromes, Hereditary; Tumor predisposition; Hereditary neoplastic syndrome; Hereditary Cancer Syndrome. Identifiers: Orphanet 140162, MedGen C0027672, MeSH D009386, MONDO:0015356.
Hereditary breast ovarian cancer syndrome. Also called: Breast and ovarian cancer; BRCA1- and BRCA2-Associated Hereditary Breast and Ovarian Cancer; Hereditary breast and/or ovarian cancer syndrome; Hereditary breast and ovarian cancer syndrome; Hereditary breast and ovarian cancer; Hereditary breast and ovarian cancer syndrome (HBOC). Identifiers: Orphanet 145, MedGen C0677776, MeSH D061325, MONDO:0003582. Disease mechanism: loss of function.

Allele frequency attached by ClinVar (database versions not stated): gnomAD 0.00001; gnomAD exomes 0.00001; TOPMed 0.00001.
gnomAD v4.1: 9 of 1,614,102 alleles (0.00056%); highest among the groups gnomAD compares: Non-Finnish European, 0.00076%; no homozygotes.

Submissions (11):

CeGaT Center for Human Genetics Tuebingen
Classification: Likely benign. Last evaluated: 2026-09-01. Review status: criteria provided, single submitter. Criteria: CeGaT Center For Human Genetics Tuebingen Variant Classification Criteria Version 2. Collection method: clinical testing. Allele origin: germline. Affected: yes. Observed: 2 variant alleles.
Comment: BRCA1: PM2:Supporting, BP4, BS3:Supporting

Labcorp Genetics (formerly Invitae), Labcorp
Classification: Likely benign for Hereditary breast ovarian cancer syndrome. Last evaluated: 2025-12-15. Review status: criteria provided, single submitter. Criteria: Invitae Variant Classification Sherloc (09022015). Collection method: clinical testing. Allele origin: germline.

Color Diagnostics, LLC DBA Color Health
Classification: Likely benign for Hereditary cancer-predisposing syndrome. Last evaluated: 2025-11-18. Review status: criteria provided, single submitter. Criteria: ACMG Guidelines, 2015. Collection method: clinical testing. Allele origin: germline.

Center for Genomic Medicine, Rigshospitalet, Copenhagen University Hospital
Classification: Likely benign. Last evaluated: 2025-03-04. Review status: criteria provided, single submitter. Criteria: ACMG Guidelines, 2015. Collection method: clinical testing. Allele origin: germline.

Ambry Genetics
Classification: Uncertain significance for Hereditary cancer-predisposing syndrome. Last evaluated: 2024-11-13. Review status: criteria provided, single submitter. Criteria: Ambry Variant Classification Scheme 2023. Collection method: clinical testing. Allele origin: germline.
Comment: The p.L1267S variant (also known as c.3800T>C), located in coding exon 9 of the BRCA1 gene, results from a T to C substitution at nucleotide position 3800. The leucine at codon 1267 is replaced by serine, an amino acid with dissimilar properties. In a cohort of 300 deceased patients, who underwent whole genome sequencing for 60 autosomal dominant cancer predisposition genes, this variant was detected and classified as likely benign by the authors. However, the specific phenotype of the patient(s) with this alteration was not reported (He KY et al. PLoS ONE, 2016 Dec;11:e0167847). This alteration has been reported as neutral in high-throughput complementation assays performed in mouse embryonic stem cells (Bouwman P. et al. Cancer Discov. 2013 Oct;3(10):1142-55; Bouwman P. et al. Clin Cancer Res. 2020 09;26(17):4559-4568). This amino acid position is not well conserved in available vertebrate species. In addition, the in silico prediction for this alteration is inconclusive. Based on the available evidence, the clinical significance of this variant remains unclear.

Women's Health and Genetics/Laboratory Corporation of America, LabCorp
Classification: Likely benign. Last evaluated: 2024-11-01. Review status: criteria provided, single submitter. Criteria: LabCorp Variant Classification Summary - May 2015. Collection method: clinical testing. Allele origin: germline.
Comment: Variant summary: BRCA1 c.3800T>C (p.Leu1267Ser) results in a non-conservative amino acid change in the encoded protein sequence. Four of five in-silico tools predict a benign effect of the variant on protein function. The variant was absent in 251170 control chromosomes. The available data on variant occurrences in the general population are insufficient to allow any conclusion about variant significance. c.3800T>C has been reported in the literature in individuals affected with Hereditary Breast And Ovarian Cancer Syndrome (Mattocks_2010). These report(s) do not provide unequivocal conclusions about association of the variant with Hereditary Breast And Ovarian Cancer Syndrome. At least one publication reports experimental evidence evaluating an impact on protein function (Bouwman_2013, Bouwman_2020). These results showed no damaging effect of this variant on ability to complement BRCA1-deficient mouse embryonic stem cells in homologous recombination DNA repair (HRR) using cisplatin and olaparib sensitivity assays and a direct GFP HRR assay. The following publications have been ascertained in the context of this evaluation (PMID: 23867111, 20167696, 32546644). ClinVar contains an entry for this variant (Variation ID: 142031). Based on the evidence outlined above, the variant was classified as likely benign.

All of Us Research Program, National Institutes of Health
Classification: Uncertain significance for BRCA1-related cancer predisposition. Last evaluated: 2024-09-23. Review status: criteria provided, single submitter. Criteria: ACMG Guidelines, 2015. Collection method: clinical testing. Allele origin: germline. Inheritance: Autosomal dominant inheritance. Observed: 3 variant alleles, 3 heterozygotes.
Comment: This missense variant replaces leucine with serine at codon 1267 of the BRCA1 protein. Computational prediction is inconclusive regarding the impact of this variant on protein structure and function (internally defined REVEL score threshold 0.5 < inconclusive < 0.7, PMID: 27666373). Functional studies have reported that this variant does not impact on BRCA1 function in cisplatin and Olaparib sensitivity and homology-directed repair assays using mouse Brca1-deficient embryonic stem cells (PMID: 23867111, 32546644). This variant has been detected in a breast cancer case-control meta-analysis in 4/60466 cases and 1/53461 unaffected individuals (PMID: 33471991; Leiden Open Variation Database DB-ID BRCA1_001533). A multifactorial analysis has reported a likelihood ratio for pathogenicity based on tumor pathology of 0.21 (PMID: 31131967). This variant has not been identified in the general population by the Genome Aggregation Database (gnomAD). The available evidence is insufficient to determine the role of this variant in disease conclusively. Therefore, this variant is classified as a Variant of Uncertain Significance.

This study involves interpretation of variants in research participants for the purpose of population health screening. Participant phenotype was not available at the time of variant classification. Additional details can be found in publication PMID: 35346344, PMCID: PMC8962531

University of Washington Department of Laboratory Medicine, University of Washington
Classification: Likely benign for Hereditary cancer-predisposing syndrome. Last evaluated: 2023-03-23. Review status: criteria provided, single submitter. Criteria: Dines et al. (Genet Med. 2020). Collection method: curation. Allele origin: germline.
Comment: Missense variant in a coldspot region where missense variants are very unlikely to be pathogenic (PMID:31911673).

BRCA1 coldspot (exon 11 using historical exon numbering). Reclassification based on statistical prior probability

St. Jude Molecular Pathology, St. Jude Children's Research Hospital
Classification: Uncertain significance for Hereditary breast ovarian cancer syndrome. Last evaluated: 2021-06-10. Review status: criteria provided, single submitter. Criteria: St. Jude Assertion Criteria 2020. Collection method: clinical testing. Allele origin: germline.
Comment: The BRCA1 c.3800T>C (p.Leu1267Ser) missense change is absent in gnomAD v2.1.1 (PM2_Supporting ). Six of seven in silico tools predict a benign effect of this variant on protein function (BP4). Functional studies have shown that this change can rescue the proliferation defect of Brca1-deficient mouse embryonic stem cells similar to wild-type and also decrease sensitivity to cisplatin, suggesting that this change does not affect protein function (BS3_Supporting; PMID: 23867111). This variant is absent in the FLOSSIES database which contains genetic variants from women older than 70 years of age who have never had cancer. In summary, this variant meets criteria to be classified as of uncertain significance based on the ACMG/AMP criteria: PM2_Supporting, BS3_Supporting, BP4.

GeneDx
Classification: Uncertain significance. Last evaluated: 2019-01-04. Review status: criteria provided, single submitter. Criteria: GeneDx Variant Classification (06012015). Collection method: clinical testing. Allele origin: germline. Affected: yes.
Comment: This variant is denoted BRCA1 c.3800T>C at the cDNA level, p.Leu1267Ser (L1267S) at the protein level, and results in the change of a Leucine to a Serine (TTA>TCA). Functional studies by Bouwman et al. (2013) suggest that BRCA1 Leu1267Ser may be a neutral variant based on insensitivity to cisplatin and ability to support growth similar to controls in BRCA1-deficient mouse embryonic stem cells. BRCA1 Leu1267Ser was not observed in large population cohorts (Lek 2016). This variant is not located in a known functional domain. In silico analysis, which includes protein predictors and evolutionary conservation, supports that this variant does not alter protein structure/function. Based on currently available evidence, it is unclear whether BRCA1 Leu1267Ser is a pathogenic or benign variant. We consider it to be a variant of uncertain significance.

Quest Diagnostics Nichols Institute San Juan Capistrano
Classification: Uncertain significance. Last evaluated: 2017-08-26. Review status: criteria provided, single submitter. Criteria: Quest Diagnostics criteria. Collection method: clinical testing. Allele origin: germline.

Literature cited by the submitters: PubMed 27930734 (cited by Ambry Genetics); PubMed 32546644 (cited by 3 submitters); PubMed 23867111 (cited by Women's Health and Genetics/Laboratory Corporation of America, LabCorp and All of Us Research Program, National Institutes of Health); PubMed 20167696 (cited by Women's Health and Genetics/Laboratory Corporation of America, LabCorp); PubMed 31131967 (cited by All of Us Research Program, National Institutes of Health); PubMed 33471991 (cited by All of Us Research Program, National Institutes of Health).